The following is an entry in ClinVar:

NM_182972.3(IRF2BP2):c.1727C>T (p.Ala576Val)

Gene: IRF2BP2 (interferon regulatory factor 2 binding protein 2; minus strand). Cytogenetic location: 1q42.3.
Variant type: single nucleotide variant.
Coding change: c.1727C>T on transcript NM_182972.3 (MANE Select); coding-DNA position 1727, C replaced by T.
Protein change: p.Ala576Val; replaces alanine 576 with valine.
Molecular consequence: missense variant.
Genome position (GRCh38, 1-based): chr1:234,607,174, G>A on the plus strand (C>T on the coding strand, the complement: IRF2BP2 is on the minus strand). VCF-style: chr1-234607174-G-A. GRCh37 (hg19) VCF-style: chr1-234742920-G-A.
Other names: c.1679C>T, p.Ala560Val (NM_001077397.1); short protein forms A560V, A576V.
Identifiers: ClinVar variation 2431892 (VCV002431892.2), dbSNP rs1191126203, ClinGen allele CA345304856.

ClinVar aggregate classification (germline): Uncertain significance (1 of 4 stars; one submission).

Conditions:
Immunodeficiency, common variable, 14. Identifiers: Orphanet 696904, MedGen C4540380, MONDO:0054691, OMIM 617765.

Allele frequency attached by ClinVar (database versions not stated): gnomAD exomes below 0.00001.

Submission:

Laboratorio de Genetica e Diagnostico Molecular, Hospital Israelita Albert Einstein
Classification: Uncertain significance for Immunodeficiency, common variable, 14. Last evaluated: 2022-10-24. Review status: criteria provided, single submitter. Criteria: ACMG Guidelines, 2015. Collection method: clinical testing. Allele origin: germline. Affected: yes.
Comment: ACMG classification criteria: PM2 supporting